The following is an entry in ClinVar:

ClinVar aggregate classification (germline): Uncertain significance. Review status: criteria provided, multiple submitters, no conflicts (2 of 4 stars). 3 submissions from 3 submitters: Uncertain significance (2). 1 of the submissions does not count toward it. Last evaluated 2024-11-18.

Conditions:
PCNT-related disorder. Also called: PCNT-related condition.
Inborn genetic diseases. Identifiers: MedGen C0950123, MeSH D030342.

Allele frequency attached by ClinVar (database versions not stated): ExAC 0.00001; gnomAD exomes 0.00002; gnomAD 0.00005; ESP Exome Variant Server 0.00008; TOPMed 0.00009.
gnomAD v4.1: 45 of 1,612,948 alleles (0.0028%); highest among the groups gnomAD compares: Admixed American, 0.0067%; no homozygotes.

Submissions (3):

Labcorp Genetics (formerly Invitae), Labcorp
Classification: Uncertain significance. Last evaluated: 2024-11-18. Review status: criteria provided, single submitter. Criteria: Invitae Variant Classification Sherloc (09022015). Collection method: clinical testing. Allele origin: germline.
Comment: This sequence change replaces glutamic acid, which is acidic and polar, with lysine, which is basic and polar, at codon 1850 of the PCNT protein (p.Glu1850Lys). This variant is present in population databases (rs375046076, gnomAD 0.004%). This variant has not been reported in the literature in individuals affected with PCNT-related conditions. ClinVar contains an entry for this variant (Variation ID: 2071313). An algorithm developed to predict the effect of missense changes on protein structure and function outputs the following: PolyPhen-2: "Benign". The lysine amino acid residue is found in multiple mammalian species, which suggests that this missense change does not adversely affect protein function. In summary, the available evidence is currently insufficient to determine the role of this variant in disease. Therefore, it has been classified as a Variant of Uncertain Significance.

Ambry Genetics
Classification: Uncertain significance for Inborn genetic diseases. Last evaluated: 2023-11-22. Review status: criteria provided, single submitter. Criteria: Ambry Variant Classification Scheme 2023. Collection method: clinical testing. Allele origin: germline.

PreventionGenetics, part of Exact Sciences
Classification: Uncertain significance for PCNT-related condition. Last evaluated: 2024-06-14. Review status: no assertion criteria provided. Collection method: clinical testing. Allele origin: germline. Not counted in ClinVar's aggregate classification.
Comment: The PCNT c.5548G>A variant is predicted to result in the amino acid substitution p.Glu1850Lys. To our knowledge, this variant has not been reported in the literature. This variant is reported in 0.0040% of alleles in individuals of European (Non-Finnish) descent in gnomAD. At this time, the clinical significance of this variant is uncertain due to the absence of conclusive functional and genetic evidence.

NM_006031.6(PCNT):c.5548G>A (p.Glu1850Lys)

Gene: PCNT (pericentrin; plus strand). Cytogenetic location: 21q22.3.
Variant type: single nucleotide variant.
Coding change: c.5548G>A on transcript NM_006031.6 (MANE Select); coding-DNA position 5548, G replaced by A.
Protein change: p.Glu1850Lys; replaces glutamic acid 1850 with lysine.
Molecular consequence: missense variant.
Genome position (GRCh38, 1-based): chr21:46,411,621, G>A. VCF-style: chr21-46411621-G-A. GRCh37 (hg19) VCF-style: chr21-47831535-G-A.
Other names: c.5194G>A, p.Glu1732Lys (NM_001315529.2); c.5548G>A (NM_006031.5); short protein forms E1850K, E1732K.
Identifiers: ClinVar variation 2071313 (VCV002071313.5), dbSNP rs375046076, ClinGen allele CA10080021.